The following is an entry in ClinVar:

NM_006206.6(PDGFRA):c.2450G>A (p.Arg817His)

Gene: PDGFRA (platelet derived growth factor receptor alpha; plus strand). Cytogenetic location: 4q12.
Variant type: single nucleotide variant.
Coding change: c.2450G>A on transcript NM_006206.6 (MANE Select); coding-DNA position 2450, G replaced by A.
Protein change: p.Arg817His; replaces arginine 817 with histidine.
Molecular consequence: missense variant.
Genome position (GRCh38, 1-based): chr4:54,285,851, G>A. VCF-style: chr4-54285851-G-A. GRCh37 (hg19) VCF-style: chr4-55152018-G-A.
Other names: c.2525G>A, p.Arg842His (NM_001347828.2); c.2450G>A, p.Arg817His (NM_001347829.2); c.2489G>A, p.Arg830His (NM_001347830.2); short protein forms R830H, R842H, R817H.
Identifiers: ClinVar variation 1791484 (VCV001791484.5), dbSNP rs79948560, ClinGen allele CA96866728.

ClinVar aggregate classification (germline): Uncertain significance. Review status: criteria provided, multiple submitters, no conflicts (2 of 4 stars). 2 submissions from 2 submitters: Uncertain significance (2). Last evaluated 2025-03-20.

Conditions:
Gastrointestinal stromal tumor. Also called: Gastrointestinal stromal tumor, somatic; Gastrointestinal stroma tumor. Identifiers: Orphanet 44890, MedGen C0238198, MeSH D046152, MONDO:0011719, OMIM 606764, HP:0100723.
Hereditary cancer-predisposing syndrome. Also called: Neoplastic Syndromes, Hereditary; Tumor predisposition; Hereditary Cancer Syndrome; Hereditary neoplastic syndrome. Identifiers: Orphanet 140162, MedGen C0027672, MeSH D009386, MONDO:0015356.

Submissions (2):

Labcorp Genetics (formerly Invitae), Labcorp
Classification: Uncertain significance for Gastrointestinal stromal tumor. Last evaluated: 2025-03-20. Review status: criteria provided, single submitter. Criteria: Invitae Variant Classification Sherloc (09022015). Collection method: clinical testing. Allele origin: germline.
Comment: This sequence change replaces arginine, which is basic and polar, with histidine, which is basic and polar, at codon 817 of the PDGFRA protein (p.Arg817His). This variant is not present in population databases (gnomAD no frequency). This variant has not been reported in the literature in individuals affected with PDGFRA-related conditions. ClinVar contains an entry for this variant (Variation ID: 1791484). Invitae Evidence Modeling of protein sequence and biophysical properties (such as structural, functional, and spatial information, amino acid conservation, physicochemical variation, residue mobility, and thermodynamic stability) has been performed for this missense variant. However, the output from this modeling did not meet the statistical confidence thresholds required to predict the impact of this variant on PDGFRA protein function. In summary, the available evidence is currently insufficient to determine the role of this variant in disease. Therefore, it has been classified as a Variant of Uncertain Significance.

Ambry Genetics
Classification: Uncertain significance for Hereditary cancer-predisposing syndrome. Last evaluated: 2022-06-08. Review status: criteria provided, single submitter. Criteria: Ambry Variant Classification Scheme 2023. Collection method: clinical testing. Allele origin: germline.
Comment: The p.R817H variant (also known as c.2450G>A), located in coding exon 17 of the PDGFRA gene, results from a G to A substitution at nucleotide position 2450. The arginine at codon 817 is replaced by histidine, an amino acid with highly similar properties. This amino acid position is highly conserved in available vertebrate species. In addition, this alteration is predicted to be deleterious by in silico analysis. Since supporting evidence is limited at this time, the clinical significance of this alteration remains unclear.